The following is an entry in ClinVar:

NM_000240.4(MAOA):c.955+4G>A

Gene: MAOA (monoamine oxidase A; plus strand). Cytogenetic location: Xp11.3.
Variant type: single nucleotide variant.
Coding change: c.955+4G>A on transcript NM_000240.4 (MANE Select); 4 bases into the intron after coding-DNA position 955, G replaced by A.
Molecular consequence: intron variant.
Genome position (GRCh38, 1-based): chrX:43,731,857, G>A. VCF-style: chrX-43731857-G-A. GRCh37 (hg19) VCF-style: chrX-43591104-G-A.
Other names: c.556+4G>A (NM_001270458.2).
Identifiers: ClinVar variation 2060608 (VCV002060608.5), dbSNP rs763280736, ClinGen allele CA10390853.

ClinVar aggregate classification (germline): Conflicting classifications of pathogenicity. Review status: criteria provided, conflicting classifications (1 of 4 stars). 2 submissions from 2 submitters: Uncertain significance (1); Likely benign (1). Last evaluated 2023-01-15.

Conditions:
Brunner syndrome (BRNRS). Identifiers: Orphanet 3057, MedGen C0796275, MONDO:0010379, OMIM 300615.

Allele frequency attached by ClinVar (database versions not stated): ExAC 0.00001; gnomAD exomes 0.00001; gnomAD 0.00002; TOPMed 0.00005.

Submissions (2):

Labcorp Genetics (formerly Invitae), Labcorp
Classification: Uncertain significance for Brunner syndrome. Last evaluated: 2023-01-15. Review status: criteria provided, single submitter. Criteria: Invitae Variant Classification Sherloc (09022015). Collection method: clinical testing. Allele origin: germline.
Comment: In summary, the available evidence is currently insufficient to determine the role of this variant in disease. Therefore, it has been classified as a Variant of Uncertain Significance. Variants that disrupt the consensus splice site are a relatively common cause of aberrant splicing (PMID: 17576681, 9536098). Algorithms developed to predict the effect of sequence changes on RNA splicing suggest that this variant is not likely to affect RNA splicing. This variant has not been reported in the literature in individuals affected with MAOA-related conditions. This variant is not present in population databases (gnomAD no frequency). This sequence change falls in intron 8 of the MAOA gene. It does not directly change the encoded amino acid sequence of the MAOA protein. It affects a nucleotide within the consensus splice site.

Blueprint Genetics
Classification: Likely benign. Last evaluated: 2021-11-22. Review status: criteria provided, single submitter. Criteria: ACMG Guidelines, 2015. Collection method: clinical testing. Allele origin: germline.

Literature cited by the submitters: PubMed 17576681 (cited by Labcorp Genetics (formerly Invitae), Labcorp); PubMed 9536098 (cited by Labcorp Genetics (formerly Invitae), Labcorp).